The following is an entry in ClinVar:

ClinVar aggregate classification (germline): Uncertain significance. Review status: criteria provided, multiple submitters, no conflicts (2 of 4 stars). 2 submissions from 2 submitters: Uncertain significance (2). Last evaluated 2023-01-11.

Conditions:
Inborn genetic diseases. Identifiers: MedGen C0950123, MeSH D030342.

gnomAD v4.1: 7 of 1,614,068 alleles (0.00043%); highest among the groups gnomAD compares: Admixed American, 0.0017%; no homozygotes.

Submissions (2):

Ambry Genetics
Classification: Uncertain significance for Inborn genetic diseases. Last evaluated: 2023-01-11. Review status: criteria provided, single submitter. Criteria: Ambry Variant Classification Scheme 2023. Collection method: clinical testing. Allele origin: germline.

Labcorp Genetics (formerly Invitae), Labcorp
Classification: Uncertain significance. Last evaluated: 2022-06-02. Review status: criteria provided, single submitter. Criteria: Invitae Variant Classification Sherloc (09022015). Collection method: clinical testing. Allele origin: germline.
Comment: This sequence change replaces threonine, which is neutral and polar, with asparagine, which is neutral and polar, at codon 360 of the CYP11B2 protein (p.Thr360Asn). This variant is present in population databases (no rsID available, gnomAD 0.003%). This variant has not been reported in the literature in individuals affected with CYP11B2-related conditions. Advanced modeling of protein sequence and biophysical properties (such as structural, functional, and spatial information, amino acid conservation, physicochemical variation, residue mobility, and thermodynamic stability) performed at Invitae indicates that this missense variant is not expected to disrupt CYP11B2 protein function. In summary, the available evidence is currently insufficient to determine the role of this variant in disease. Therefore, it has been classified as a Variant of Uncertain Significance.

NM_000498.3(CYP11B2):c.1079C>A (p.Thr360Asn)

Genes: CYP11B2 (cytochrome P450 family 11 subfamily B member 2; minus strand), LOC106799834 (CYP11B2 recombination region; plus strand). Cytogenetic location: 8q24.3.
Variant type: single nucleotide variant.
Coding change: c.1079C>A on transcript NM_000498.3 (MANE Select); coding-DNA position 1079, C replaced by A.
Protein change: p.Thr360Asn; replaces threonine 360 with asparagine.
Molecular consequence: missense variant.
Genome position (GRCh38, 1-based): chr8:142,913,327, G>T on the plus strand (C>A on the coding strand, the complement: CYP11B2 is on the minus strand). VCF-style: chr8-142913327-G-T. GRCh37 (hg19) VCF-style: chr8-143994743-G-T.
Other names: short protein forms T360N.
Identifiers: ClinVar variation 2164191 (VCV002164191.3), dbSNP rs1329708933, ClinGen allele CA372387754.
Genomic context (GRCh38, chr8:142,913,327, plus strand): 5'-GCCTCAGCCAGCACCCACCGCAAGGTCTCCTTGAGGGCCGCCCGCAGCAAGGGCAGCTCG[G>T]TGGTTGCCTTCTGGGGATGTTCACTGATGCTGGCTGCGGCGGCCAGGCTCTCCTGGCGCA-3'
Protein context (NP_000489.3, residues 350-370): SISEHPQKAT[Thr360Asn]ELPLLRAALK